The following is an entry in ClinVar:

ClinVar aggregate classification (germline): Conflicting classifications of pathogenicity. Review status: criteria provided, conflicting classifications (1 of 4 stars). 3 submissions from 3 submitters: Uncertain significance (1); Benign (1); Likely benign (1). Last evaluated 2025-09-29.

Conditions:
Inborn genetic diseases. Identifiers: MedGen C0950123, MeSH D030342.

Allele frequency attached by ClinVar (database versions not stated): gnomAD exomes 0.00002 and 0.00005; ExAC 0.00006; gnomAD 0.00013 and 0.00014; TOPMed 0.00019; ESP Exome Variant Server 0.00046.
gnomAD v4.1: 47 of 1,606,652 alleles (0.0029%); highest among the groups gnomAD compares: African/African-American, 0.031%; no homozygotes.

Submissions (3):

Athena Diagnostics
Classification: Benign. Last evaluated: 2025-09-29. Review status: criteria provided, single submitter. Criteria: Athena Diagnostics Criteria. Collection method: clinical testing. Allele origin: unknown.
Comment: The frequency of this variant in the general population is higher than would generally be expected for pathogenic variants in this gene. This variant has been seen where an alternate explanation for disease was also identified.

Ambry Genetics
Classification: Uncertain significance for Inborn genetic diseases. Last evaluated: 2025-06-08. Review status: criteria provided, single submitter. Criteria: Ambry Variant Classification Scheme 2023. Collection method: clinical testing. Allele origin: germline.

Labcorp Genetics (formerly Invitae), Labcorp
Classification: Likely benign. Last evaluated: 2024-04-12. Review status: criteria provided, single submitter. Criteria: Invitae Variant Classification Sherloc (09022015). Collection method: clinical testing. Allele origin: germline.

NM_006946.4(SPTBN2):c.2455C>T (p.Arg819Cys)

Gene: SPTBN2 (spectrin beta, non-erythrocytic 2; minus strand). Cytogenetic location: 11q13.2.
Variant type: single nucleotide variant.
Coding change: c.2455C>T on transcript NM_006946.4 (MANE Select); coding-DNA position 2455, C replaced by T.
Protein change: p.Arg819Cys; replaces arginine 819 with cysteine.
Molecular consequence: missense variant.
Genome position (GRCh38, 1-based): chr11:66,704,821, G>A on the plus strand (C>T on the coding strand, the complement: SPTBN2 is on the minus strand). VCF-style: chr11-66704821-G-A. GRCh37 (hg19) VCF-style: chr11-66472292-G-A.
Other names: short protein forms R819C.
Identifiers: ClinVar variation 1256174 (VCV001256174.12), dbSNP rs141021167, ClinGen allele CA6129120.
Genomic context (GRCh38, chr11:66,704,821, plus strand): 5'-CCTGCAGCTCCTCGTAGTGCCGCTCCAGGGTGGGCACCCGGCTCTGCACCTCGGGCGTGC[G>A]GCTCAGTGTGGGGGGCAGGGCTGCTGCCTGTTCCCTCAAGGCGTCCAGGGTTGGCCGGTG-3'
Protein context (NP_008877.2, residues 809-829): QAAALPPTLS[Arg819Cys]TPEVQSRVPT